The following is an entry in ClinVar:

NM_003072.5(SMARCA4):c.110G>C (p.Gly37Ala)

Gene: SMARCA4 (SWI/SNF related BAF chromatin remodeling complex subunit ATPase 4; plus strand). Cytogenetic location: 19p13.2.
Variant type: single nucleotide variant.
Coding change: c.110G>C on transcript NM_003072.5 (MANE Select); coding-DNA position 110, G replaced by C.
Protein change: p.Gly37Ala; replaces glycine 37 with alanine.
Molecular consequence: missense variant. On other transcripts: non-coding transcript variant (1).
Genome position (GRCh38, 1-based): chr19:10,984,261, G>C. VCF-style: chr19-10984261-G-C. GRCh37 (hg19) VCF-style: chr19-11094937-G-C.
Other names: c.110G>C, p.Gly37Ala (NM_001128845.2, NM_001128846.2, NM_001128847.4 and 6 more transcripts); short protein forms G37A.
Identifiers: ClinVar variation 3958467 (VCV003958467.1).
Genomic context (GRCh38, chr19:10,984,261, plus strand): 5'-CCCCGGGCCCTGGCCCTTCCCCTGGAGCCATGCTGGGCCCTAGCCCGGGTCCCTCGCCGG[G>C]CTCCGCCCACAGCATGATGGGGCCCAGCCCAGGGCCGCCCTCAGCAGGACACCCCATCCC-3'
Protein context (NP_003063.2, residues 27-47): MLGPSPGPSP[Gly37Ala]SAHSMMGPSP

ClinVar aggregate classification (germline): Uncertain significance (1 of 4 stars; one submission).

Conditions:
Hereditary cancer-predisposing syndrome. Also called: Tumor predisposition; Hereditary neoplastic syndrome; Hereditary Cancer Syndrome; Neoplastic Syndromes, Hereditary. Identifiers: Orphanet 140162, MedGen C0027672, MeSH D009386, MONDO:0015356.

gnomAD v4.1: 1 of 1,611,720 alleles (0.000062%); highest among the groups gnomAD compares: Non-Finnish European, 0.000085%; no homozygotes.

Submission:

Ambry Genetics
Classification: Uncertain significance for Hereditary cancer-predisposing syndrome. Last evaluated: 2025-05-16. Review status: criteria provided, single submitter. Criteria: Ambry Variant Classification Scheme 2023. Collection method: clinical testing. Allele origin: germline.
Comment: The p.G37A variant (also known as c.110G>C), located in coding exon 1 of the SMARCA4 gene, results from a G to C substitution at nucleotide position 110. The glycine at codon 37 is replaced by alanine, an amino acid with similar properties. This amino acid position is conserved. In addition, the in silico prediction for this alteration is inconclusive. Based on the available evidence, the clinical significance of this variant remains unclear.